The following is an entry in ClinVar:

ClinVar aggregate classification (germline): Pathogenic (1 of 4 stars; one submission).

Submission:

Labcorp Genetics (formerly Invitae), Labcorp
Classification: Pathogenic. Last evaluated: 2021-06-04. Review status: criteria provided, single submitter. Criteria: Invitae Variant Classification Sherloc (09022015). Collection method: clinical testing. Allele origin: germline.
Comment: For these reasons, this variant has been classified as Pathogenic. This variant has not been reported in the literature in individuals with NBAS-related conditions. This variant is a gross deletion of the genomic region encompassing exon(s) 24-42 of the NBAS gene. This deletion is out-of-frame, and is expected to create a premature translational stop signal and result in an absent or disrupted protein product. Loss-of-function variants in NBAS are known to be pathogenic (PMID: 26073778, 26541327, 27789416, 28031453).

Literature cited by the submitters: PubMed 26073778; PubMed 26541327; PubMed 27789416; PubMed 28031453.

NC_000002.11:g.(?_15427177)_(15557856_?)del

Gene: NBAS (NBAS subunit of NRZ tethering complex; minus strand). Cytogenetic location: 2p24.3.
Variant type: Deletion.
Identifiers: ClinVar variation 1453984 (VCV001453984.6).